The following is an entry in ClinVar:

NM_003640.5(ELP1):c.3488C>G (p.Ser1163Ter)

Gene: ELP1 (elongator acetyltransferase complex subunit 1; minus strand). Cytogenetic location: 9q31.3.
Variant type: single nucleotide variant.
Coding change: c.3488C>G on transcript NM_003640.5 (MANE Select); coding-DNA position 3488, C replaced by G.
Protein change: p.Ser1163Ter; replaces serine 1163 with a stop codon.
Molecular consequence: nonsense.
Genome position (GRCh38, 1-based): chr9:108,879,530, G>C on the plus strand (C>G on the coding strand, the complement: ELP1 is on the minus strand). VCF-style: chr9-108879530-G-C. GRCh37 (hg19) VCF-style: chr9-111641810-G-C.
Other names: c.3146C>G, p.Ser1049Ter (NM_001318360.2); c.2441C>G, p.Ser814Ter (NM_001330749.2); short protein forms S1049*, S1163*, S814*.
Identifiers: ClinVar variation 4815231 (VCV004815231.1).

ClinVar aggregate classification (germline): Likely pathogenic (1 of 4 stars; one submission).

Conditions:
Familial dysautonomia. Also called: HSAN III; FD. Identifiers: Orphanet 1764, MedGen C0013364, MONDO:0009131, OMIM 223900. Disease mechanism: loss of function.

gnomAD v4.1: 1 of 1,614,064 alleles (0.000062%); highest among the groups gnomAD compares: Admixed American, 0.0017%; no homozygotes.

Submission:

Natera, Inc.
Classification: Likely pathogenic for Familial dysautonomia. Last evaluated: 2025-03-24. Review status: criteria provided, single submitter. Criteria: Natera Variant Classification Schema (03/2026). Collection method: clinical testing. Allele origin: germline.
Comment: The c.3488C>G variant in ELP1 is a nonsense variant predicted to introduce a stop codon at amino acid 1163. This variant is expected to result in nonsense mediated decay, truncation, or a dysfunctional protein product. This variant is rare in the general population with a frequency below the threshold expected for the associated phenotype(s). Given the available evidence, this variant is classified as Likely Pathogenic.